The following is an entry in ClinVar:

ClinVar aggregate classification (germline): Uncertain significance (1 of 4 stars; one submission).

Submission:

Labcorp Genetics (formerly Invitae), Labcorp
Classification: Uncertain significance. Last evaluated: 2025-12-01. Review status: criteria provided, single submitter. Criteria: Invitae Variant Classification Sherloc (09022015). Collection method: clinical testing. Allele origin: germline.
Comment: This sequence change replaces valine, which is neutral and non-polar, with leucine, which is neutral and non-polar, at codon 525 of the TNNI3K protein (p.Val525Leu). This variant is not present in population databases (gnomAD no frequency). This variant has not been reported in the literature in individuals affected with TNNI3K-related conditions. ClinVar contains an entry for this variant (Variation ID: 3631828). Invitae Evidence Modeling of protein sequence and biophysical properties (such as structural, functional, and spatial information, amino acid conservation, physicochemical variation, residue mobility, and thermodynamic stability) indicates that this missense variant is not expected to disrupt TNNI3K protein function with a negative predictive value of 80%. In summary, the available evidence is currently insufficient to determine the role of this variant in disease. Therefore, it has been classified as a Variant of Uncertain Significance.

NM_015978.3(TNNI3K):c.1573G>C (p.Val525Leu)

Genes: FPGT-TNNI3K (FPGT-TNNI3K readthrough; plus strand), TNNI3K (TNNI3 interacting kinase; plus strand). Cytogenetic location: 1p31.1.
Variant type: single nucleotide variant.
Coding change: c.1573G>C on transcript NM_015978.3 (MANE Select); coding-DNA position 1573, G replaced by C.
Protein change: p.Val525Leu; replaces valine 525 with leucine.
Molecular consequence: missense variant.
Genome position (GRCh38, 1-based): chr1:74,369,491, G>C. VCF-style: chr1-74369491-G-C. GRCh37 (hg19) VCF-style: chr1-74835175-G-C.
Other names: c.1876G>C, p.Val626Leu (NM_001112808.3, NM_001199327.2); short protein forms V525L, V626L.
Identifiers: ClinVar variation 3631828 (VCV003631828.2).